The following is an entry in ClinVar:

ClinVar aggregate classification (germline): Uncertain significance (1 of 4 stars; one submission).

Conditions:
Long QT syndrome (LQTS). Identifiers: MedGen C0023976, MeSH D008133, MONDO:0002442. Disease mechanism: loss of function. Inheritance: Various modes of inheritance.

Submission:

Labcorp Genetics (formerly Invitae), Labcorp
Classification: Uncertain significance for Long QT syndrome. Last evaluated: 2021-01-17. Review status: criteria provided, single submitter. Criteria: Invitae Variant Classification Sherloc (09022015). Collection method: clinical testing. Allele origin: germline.
Comment: This variant, c.6364_6372del, results in the deletion of 3 amino acid(s) of the CACNA1C protein (p.Arg2122_Ser2124del), but otherwise preserves the integrity of the reading frame. The frequency data for this variant in the population databases is considered unreliable, as metrics indicate poor data quality at this position in the ExAC database. This variant has not been reported in the literature in individuals with CACNA1C-related conditions. Experimental studies and prediction algorithms are not available or were not evaluated, and the functional significance of this variant is currently unknown. In summary, the available evidence is currently insufficient to determine the role of this variant in disease. Therefore, it has been classified as a Variant of Uncertain Significance.

NM_000719.7(CACNA1C):c.6364_6372del (p.Arg2122_Ser2124del)

Genes: CACNA1C (calcium voltage-gated channel subunit alpha1 C; plus strand), CACNA1C-AS1 (CACNA1C antisense RNA 1; minus strand). Cytogenetic location: 12p13.33.
Variant type: Deletion.
Coding change: c.6364_6372del on transcript NM_000719.7 (MANE Select); coding-DNA positions 6364 to 6372, 9 bases deleted (CGACCGAGT; older notation c.6364_6372delCGACCGAGT).
Protein change: p.Arg2122_Ser2124del.
Molecular consequence: inframe deletion. On other transcripts: non-coding transcript variant (1).
Genome position (GRCh38, 1-based): chr12:2,691,146-2,691,154, CGACCGAGT deleted; deleting any 9 consecutive bases within chr12:2,691,144-2,691,154 gives the same sequence; the c. name uses the placement nearest the transcript's 3' end. VCF-style (leftmost placement, unchanged base first): chr12-2691143-GGTCGACCGA-G. GRCh37 (hg19) VCF-style: chr12-2800309-GGTCGACCGA-G.
Other names: c.6508_6516del, p.Arg2170_Ser2172del (NM_001129827.2); c.6487_6495del, p.Arg2163_Ser2165del (NM_001129829.2); c.6469_6477del, p.Arg2157_Ser2159del (NM_001129830.3, NM_001167624.3); c.6448_6456del, p.Arg2150_Ser2152del (NM_001129831.2); c.6424_6432del, p.Arg2142_Ser2144del (NM_001129832.2); c.6421_6429del, p.Arg2141_Ser2143del (NM_001129833.2, NM_001129834.2, NM_001129835.2); c.6415_6423del, p.Arg2139_Ser2141del (NM_001129836.2); c.6388_6396del, p.Arg2130_Ser2132del (NM_001129837.2, NM_001129838.2); and 6 more.
Identifiers: ClinVar variation 1347859 (VCV001347859.8), dbSNP rs760320817, ClinGen allele CA6390132.